The following is an entry in ClinVar:

NM_001365276.2(TNXB):c.6941C>T (p.Ala2314Val)

Gene: TNXB (tenascin XB; minus strand). Cytogenetic location: 6p21.33.
Variant type: single nucleotide variant.
Coding change: c.6941C>T on transcript NM_001365276.2 (MANE Select); coding-DNA position 6941, C replaced by T.
Protein change: p.Ala2314Val; replaces alanine 2314 with valine.
Molecular consequence: missense variant.
Genome position (GRCh38, 1-based): chr6:32,062,384, G>A on the plus strand (C>T on the coding strand, the complement: TNXB is on the minus strand). VCF-style: chr6-32062384-G-A. GRCh37 (hg19) VCF-style: chr6-32030161-G-A.
Other names: c.7682C>T, p.Ala2561Val (NM_001428335.1); c.6941C>T, p.Ala2314Val (NM_019105.8); short protein forms A2314V, A2561V.
Identifiers: ClinVar variation 4985487 (VCV004985487.1).

ClinVar aggregate classification (germline): Uncertain significance (1 of 4 stars; one submission).

Conditions:
TNXB-related disorder. Also called: TNXB-related condition.

gnomAD v4.1: 17 of 1,613,286 alleles (0.0011%); highest among the groups gnomAD compares: Middle Eastern, 0.033%; no homozygotes.

Submission:

PreventionGenetics, part of Exact Sciences
Classification: Uncertain significance for TNXB-related condition. Last evaluated: 2026-08-13. Review status: criteria provided, single submitter. Criteria: ACMG Guidelines, 2015. Collection method: clinical testing. Allele origin: germline.
Comment: The TNXB c.6941C>T variant is predicted to result in the amino acid substitution p.Ala2314Val. To our knowledge, this variant has not been reported in the literature. This variant is reported in 0.0036% of alleles in individuals of European (Non-Finnish) descent in gnomAD. At this time, the clinical significance of this variant is uncertain due to the absence of conclusive functional and genetic evidence.